The following is an entry in ClinVar:

ClinVar aggregate classification (germline): Uncertain significance. Review status: criteria provided, multiple submitters, no conflicts (2 of 4 stars). 2 submissions from 2 submitters: Uncertain significance (2). Last evaluated 2023-08-16.

Conditions:
Genitopatellar syndrome (GTPTS). Also called: ABSENT PATELLAE, SCROTAL HYPOPLASIA, RENAL ANOMALIES, FACIAL DYSMORPHISM, AND MENTAL RETARDATION; Genitopatellar syndrome (GPS). Identifiers: Orphanet 85201, MedGen C1853566, MONDO:0011640, OMIM 606170.
KAT6B-related disorder. Also called: KAT6B-related disorders; KAT6B-related condition.

Submissions (2):

PreventionGenetics, part of Exact Sciences
Classification: Uncertain significance for KAT6B-related condition. Last evaluated: 2023-08-16. Review status: criteria provided, single submitter. Criteria: ACMG Guidelines, 2015. Collection method: clinical testing. Allele origin: germline.
Comment: The KAT6B c.395_397dupATC variant is predicted to result in an in-frame duplication (p.Tyr132_Leu133insHis). To our knowledge, this variant has not been reported in the literature or in a large population database, indicating this variant is rare. At this time, the clinical significance of this variant is uncertain due to the absence of conclusive functional and genetic evidence.

Labcorp Genetics (formerly Invitae), Labcorp
Classification: Uncertain significance for Genitopatellar syndrome. Last evaluated: 2022-12-30. Review status: criteria provided, single submitter. Criteria: Invitae Variant Classification Sherloc (09022015). Collection method: clinical testing. Allele origin: germline.
Comment: This variant, c.395_397dup, results in the insertion of 1 amino acid(s) of the KAT6B protein (p.Tyr132_Leu133insHis), but otherwise preserves the integrity of the reading frame. This variant is not present in population databases (gnomAD no frequency). This variant has not been reported in the literature in individuals affected with KAT6B-related conditions. In summary, the available evidence is currently insufficient to determine the role of this variant in disease. Therefore, it has been classified as a Variant of Uncertain Significance.

NM_012330.4(KAT6B):c.395_397dup (p.Tyr132_Leu133insHis)

Gene: KAT6B (lysine acetyltransferase 6B; plus strand). Cytogenetic location: 10q22.2.
Variant type: Duplication.
Coding change: c.395_397dup on transcript NM_012330.4 (MANE Select); coding-DNA positions 395 to 397, 3 bases duplicated (ATC; older notation c.395_397dupATC).
Protein change: p.Tyr132_Leu133insHis.
Molecular consequence: inframe insertion. On other transcripts: 5 prime UTR variant (2).
Genome position (GRCh38, 1-based): chr10:74,843,252-74,843,254, ATC duplicated. VCF-style (leftmost placement, unchanged base first): chr10-74843251-T-TATC. GRCh37 (hg19) VCF-style: chr10-76603009-T-TATC.
Other names: c.395_397dup, p.Tyr132_Leu133insHis (NM_001256468.2, NM_001256469.2, NM_001370132.1 and 10 more transcripts); c.-144_-142dup (NM_001370134.1, NM_001370135.1).
Identifiers: ClinVar variation 2631599 (VCV002631599.4), dbSNP rs2548335455, ClinGen allele CA2695199548.